The following is an entry in ClinVar:

ClinVar aggregate classification (germline): Uncertain significance (1 of 4 stars; one submission).

gnomAD v4.1: 22 of 1,556,988 alleles (0.0014%); highest among the groups gnomAD compares: East Asian, 0.0024%; no homozygotes.

Submission:

Labcorp Genetics (formerly Invitae), Labcorp
Classification: Uncertain significance. Last evaluated: 2022-10-27. Review status: criteria provided, single submitter. Criteria: Invitae Variant Classification Sherloc (09022015). Collection method: clinical testing. Allele origin: germline.
Comment: In summary, the available evidence is currently insufficient to determine the role of this variant in disease. Therefore, it has been classified as a Variant of Uncertain Significance. Algorithms developed to predict the effect of missense changes on protein structure and function (SIFT, PolyPhen-2, Align-GVGD) all suggest that this variant is likely to be tolerated. This variant has not been reported in the literature in individuals affected with RIMS1-related conditions. This variant is present in population databases (no rsID available, gnomAD 0.009%). This sequence change replaces proline, which is neutral and non-polar, with alanine, which is neutral and non-polar, at codon 462 of the RIMS1 protein (p.Pro462Ala).

NM_014989.7(RIMS1):c.1384C>G (p.Pro462Ala)

Gene: RIMS1 (regulating synaptic membrane exocytosis 1; plus strand). Cytogenetic location: 6q13.
Variant type: single nucleotide variant.
Coding change: c.1384C>G on transcript NM_014989.7 (MANE Select); coding-DNA position 1384, C replaced by G.
Protein change: p.Pro462Ala; replaces proline 462 with alanine.
Molecular consequence: missense variant.
Genome position (GRCh38, 1-based): chr6:72,182,855, C>G. VCF-style: chr6-72182855-C-G. GRCh37 (hg19) VCF-style: chr6-72892558-C-G.
Other names: short protein forms P462A.
Identifiers: ClinVar variation 2977547 (VCV002977547.3), dbSNP rs541997223, ClinGen allele CA141417549.